The following is an entry in ClinVar:

NM_001267550.2(TTN):c.104414G>C (p.Arg34805Pro)

Genes: TTN (titin; minus strand), TTN-AS1 (TTN antisense RNA 1; plus strand). Cytogenetic location: 2q31.2.
Variant type: single nucleotide variant.
Coding change: c.104414G>C on transcript NM_001267550.2 (MANE Select); coding-DNA position 104414, G replaced by C.
Protein change: p.Arg34805Pro; replaces arginine 34805 with proline.
Molecular consequence: missense variant.
Genome position (GRCh38, 1-based): chr2:178,532,201, C>G on the plus strand (G>C on the coding strand, the complement: TTN is on the minus strand). VCF-style: chr2-178532201-C-G. GRCh37 (hg19) VCF-style: chr2-179396928-C-G.
Other names: c.99491G>C, p.Arg33164Pro (NM_001256850.1); c.77219G>C, p.Arg25740Pro (NM_003319.4); c.96710G>C, p.Arg32237Pro (NM_133378.4); c.77594G>C, p.Arg25865Pro (NM_133432.3); c.77795G>C, p.Arg25932Pro (NM_133437.4); c.104414G>C (NM_001267550.1); short protein forms R25740P, R25865P, R25932P, R32237P, R33164P, R34805P.
Identifiers: ClinVar variation 1020175 (VCV001020175.12), dbSNP rs115150240, ClinGen allele CA349411784.
Genomic context (GRCh38, chr2:178,532,201, plus strand): 5'-GCATGTTTTGAGATTTCGTATTCTTCCTCAATTTCTGTTATTTCTGTCACTTCTCTTTGT[C>G]GCCTTGATTTCTTTCTAGACTTTTCCTCCTTTGACATGAAGTCAAGTTCGCTTTTGTATT-3'
Protein context (NP_001254479.2, residues 34795-34815): KEEKSRKKSR[Arg34805Pro]QREVTEITEI

ClinVar aggregate classification (germline): Uncertain significance. Review status: criteria provided, multiple submitters, no conflicts (2 of 4 stars). 3 submissions from 3 submitters: Uncertain significance (3). Last evaluated 2024-09-24.

Conditions:
Dilated cardiomyopathy 1G (CMD1G). Identifiers: Orphanet 154, MedGen C1858763, MONDO:0011400, OMIM 604145.
Autosomal recessive limb-girdle muscular dystrophy type 2J (LGMDR10). Also called: Limb-girdle muscular dystrophy, type 2J; MUSCULAR DYSTROPHY, LIMB-GIRDLE, AUTOSOMAL RECESSIVE 10. Identifiers: Orphanet 140922, MedGen C1837342, MONDO:0012127, OMIM 608807.

gnomAD v4.1: 44 of 1,613,520 alleles (0.0027%); highest among the groups gnomAD compares: Non-Finnish European, 0.0036%; no homozygotes.

Submissions (3):

Labcorp Genetics (formerly Invitae), Labcorp
Classification: Uncertain significance for Dilated cardiomyopathy 1G; Autosomal recessive limb-girdle muscular dystrophy type 2J. Last evaluated: 2024-09-24. Review status: criteria provided, single submitter. Criteria: Invitae Variant Classification Sherloc (09022015). Collection method: clinical testing. Allele origin: germline.
Comment: This sequence change replaces arginine, which is basic and polar, with proline, which is neutral and non-polar, at codon 34805 of the TTN protein (p.Arg34805Pro). This variant is not present in population databases (gnomAD no frequency). This variant has not been reported in the literature in individuals affected with TTN-related conditions. ClinVar contains an entry for this variant (Variation ID: 1020175). Experimental studies and prediction algorithms are not available or were not evaluated, and the functional significance of this variant is currently unknown. This variant is located in the M band of TTN (PMID: 25589632). Non-truncating variants in this region may be relevant for neuromuscular disorders, but have not been definitively shown to cause cardiomyopathy (PMID: 23975875). In summary, the available evidence is currently insufficient to determine the role of this variant in disease. Therefore, it has been classified as a Variant of Uncertain Significance.

GeneDx
Classification: Uncertain significance. Last evaluated: 2024-02-22. Review status: criteria provided, single submitter. Criteria: GeneDx Variant Classification Process June 2021. Collection method: clinical testing. Allele origin: germline. Affected: yes.
Comment: Not observed at significant frequency in large population cohorts (gnomAD); Missense variant in a gene in which most reported pathogenic variants are truncating/loss of function; Has not been previously published as pathogenic or benign to our knowledge

Revvity Omics, Revvity
Classification: Uncertain significance. Last evaluated: 2022-12-09. Review status: criteria provided, single submitter. Criteria: ACMG Guidelines, 2015. Collection method: clinical testing. Allele origin: germline.

Literature cited by the submitters: PubMed 25589632 (cited by Labcorp Genetics (formerly Invitae), Labcorp); PubMed 23975875 (cited by Labcorp Genetics (formerly Invitae), Labcorp).